The following is an entry in ClinVar:

ClinVar aggregate classification (germline): Uncertain significance. Review status: criteria provided, multiple submitters, no conflicts (2 of 4 stars). 2 submissions from 2 submitters: Uncertain significance (2). Last evaluated 2024-06-11.

Conditions:
Inborn genetic diseases. Identifiers: MedGen C0950123, MeSH D030342.

Allele frequency attached by ClinVar (database versions not stated): TOPMed 0.00001; ExAC 0.00002; gnomAD 0.00002.
gnomAD v4.1: 10 of 1,614,056 alleles (0.00062%); highest among the groups gnomAD compares: African/African-American, 0.012%; no homozygotes.

Submissions (2):

Ambry Genetics
Classification: Uncertain significance for Inborn genetic diseases. Last evaluated: 2024-06-11. Review status: criteria provided, single submitter. Criteria: Ambry Variant Classification Scheme 2023. Collection method: clinical testing. Allele origin: germline.

Labcorp Genetics (formerly Invitae), Labcorp
Classification: Uncertain significance. Last evaluated: 2022-06-16. Review status: criteria provided, single submitter. Criteria: Invitae Variant Classification Sherloc (09022015). Collection method: clinical testing. Allele origin: germline.
Comment: In summary, the available evidence is currently insufficient to determine the role of this variant in disease. Therefore, it has been classified as a Variant of Uncertain Significance. Advanced modeling of protein sequence and biophysical properties (such as structural, functional, and spatial information, amino acid conservation, physicochemical variation, residue mobility, and thermodynamic stability) performed at Invitae indicates that this missense variant is not expected to disrupt FAT4 protein function. This variant has not been reported in the literature in individuals affected with FAT4-related conditions. This variant is present in population databases (rs763316688, gnomAD 0.03%). This sequence change replaces valine, which is neutral and non-polar, with leucine, which is neutral and non-polar, at codon 724 of the FAT4 protein (p.Val724Leu).

NM_001291303.3(FAT4):c.2170G>C (p.Val724Leu)

Gene: FAT4 (FAT atypical cadherin 4; plus strand). Cytogenetic location: 4q28.1.
Variant type: single nucleotide variant.
Coding change: c.2170G>C on transcript NM_001291303.3 (MANE Select); coding-DNA position 2170, G replaced by C.
Protein change: p.Val724Leu; replaces valine 724 with leucine.
Molecular consequence: missense variant.
Genome position (GRCh38, 1-based): chr4:125,318,581, G>C. VCF-style: chr4-125318581-G-C. GRCh37 (hg19) VCF-style: chr4-126239736-G-C.
Other names: c.2170G>C, p.Val724Leu (NM_001291285.3, NM_024582.6); c.2170G>C (NM_024582.4); short protein forms V724L.
Identifiers: ClinVar variation 1926786 (VCV001926786.6), dbSNP rs763316688, ClinGen allele CA3072122.